The following is an entry in ClinVar:

NM_182931.3(KMT2E):c.2136T>G (p.Ile712Met)

Gene: KMT2E (lysine methyltransferase 2E (inactive); plus strand). Cytogenetic location: 7q22.3.
Variant type: single nucleotide variant.
Coding change: c.2136T>G on transcript NM_182931.3 (MANE Select); coding-DNA position 2136, T replaced by G.
Protein change: p.Ile712Met; replaces isoleucine 712 with methionine.
Molecular consequence: missense variant.
Genome position (GRCh38, 1-based): chr7:105,102,134, T>G. VCF-style: chr7-105102134-T-G. GRCh37 (hg19) VCF-style: chr7-104742581-T-G.
Other names: c.2136T>G, p.Ile712Met (NM_001410908.1, NM_018682.4); short protein forms I712M.
Identifiers: ClinVar variation 1982725 (VCV001982725.5), dbSNP rs1346568034, ClinGen allele CA368785379.
Genomic context (GRCh38, chr7:105,102,134, plus strand): 5'-TATTGAAAATACTGTACTTACAATAGAACCAGAAACTGAAACTGCACTAGCAGAAATAAT[T>G]ACTGAAACTGAAGTTCCAGCACTTAATAAATGTCCTACCAAGTACCCCAAAACAAAGAAG-3'
Protein context (NP_891847.1, residues 702-722): PETETALAEI[Ile712Met]TETEVPALNK

ClinVar aggregate classification (germline): Conflicting classifications of pathogenicity. Review status: criteria provided, conflicting classifications (1 of 4 stars). 2 submissions from 2 submitters: Uncertain significance (1); Benign (1). Last evaluated 2026-02-13.

Conditions:
O'Donnell-Luria-Rodan syndrome (ODLURO). Also called: KMT2E-Related Neurodevelopmental Disorder. Identifiers: MedGen C5193138, MONDO:0032793, OMIM 618512.

Allele frequency attached by ClinVar (database versions not stated): gnomAD exomes below 0.00001.
gnomAD v4.1: 5 of 1,612,568 alleles (0.00031%); highest among the groups gnomAD compares: Admixed American, 0.0017%; no homozygotes.

Submissions (2):

OLLIN Analises Genomicas, OLLIN
Classification: Uncertain significance for O'Donnell-Luria-Rodan syndrome. Last evaluated: 2026-02-13. Review status: criteria provided, single submitter. Criteria: ACMG Guidelines 2015 PMID 25741868. Collection method: clinical testing. Allele origin: germline. Observed: 1 variant allele.
Comment: BP4

Labcorp Genetics (formerly Invitae), Labcorp
Classification: Benign. Last evaluated: 2025-10-01. Review status: criteria provided, single submitter. Criteria: Invitae Variant Classification Sherloc (09022015). Collection method: clinical testing. Allele origin: germline.